The following is an entry in ClinVar:

NM_002662.5(PLD1):c.2084G>A (p.Arg695His)

Gene: PLD1 (phospholipase D1; minus strand). Cytogenetic location: 3q26.31.
Variant type: single nucleotide variant.
Coding change: c.2084G>A on transcript NM_002662.5 (MANE Select); coding-DNA position 2084, G replaced by A.
Protein change: p.Arg695His; replaces arginine 695 with histidine.
Molecular consequence: missense variant.
Genome position (GRCh38, 1-based): chr3:171,676,746, C>T on the plus strand (G>A on the coding strand, the complement: PLD1 is on the minus strand). VCF-style: chr3-171676746-C-T. GRCh37 (hg19) VCF-style: chr3-171394536-C-T.
Other names: c.1970G>A, p.Arg657His (NM_001130081.3); short protein forms R657H, R695H.
Identifiers: ClinVar variation 2500481 (VCV002500481.2), dbSNP rs777216916, ClinGen allele CA2704392.

ClinVar aggregate classification (germline): Uncertain significance (1 of 4 stars; one submission).

Allele frequency attached by ClinVar (database versions not stated): ExAC 0.00001; gnomAD 0.00001; TOPMed 0.00003; gnomAD exomes 0.00001.
gnomAD v4.1: 20 of 1,613,914 alleles (0.0012%); highest among the groups gnomAD compares: African/African-American, 0.0053%; no homozygotes.

Submission:

GeneDx
Classification: Uncertain significance. Last evaluated: 2026-07-01. Review status: criteria provided, single submitter. Criteria: GeneDx Variant Classification Process June 2021. Collection method: clinical testing. Allele origin: germline.
Comment: Reported as a heterozygous, de novo variant in a patient with tetralogy of Fallot; this patient harbored multiple other de novo and compound heterozygous variants identified by trio exome sequencing (PMID: 34905512); In silico analysis supports that this missense variant has a deleterious effect on protein structure/function; This variant is associated with the following publications: (PMID: 34905512)